The following is an entry in ClinVar:

ClinVar aggregate classification (germline): Uncertain significance (1 of 4 stars; one submission).

Conditions:
Autoimmune interstitial lung disease-arthritis syndrome. Also called: Autoinflammation and autoimmunity, systemic, with immune dysregulation. Identifiers: Orphanet 444092, MedGen C5975714, MONDO:0014629.

Allele frequency attached by ClinVar (database versions not stated): gnomAD exomes below 0.00001.
gnomAD v4.1: 1 of 1,614,110 alleles (0.000062%); highest among the groups gnomAD compares: Non-Finnish European, 0.000085%; no homozygotes.

Submission:

Labcorp Genetics (formerly Invitae), Labcorp
Classification: Uncertain significance for Autoimmune interstitial lung disease-arthritis syndrome. Last evaluated: 2024-01-08. Review status: criteria provided, single submitter. Criteria: Invitae Variant Classification Sherloc (09022015). Collection method: clinical testing. Allele origin: germline.
Comment: This sequence change replaces alanine, which is neutral and non-polar, with valine, which is neutral and non-polar, at codon 534 of the COPA protein (p.Ala534Val). This variant is not present in population databases (gnomAD no frequency). This variant has not been reported in the literature in individuals affected with COPA-related conditions. ClinVar contains an entry for this variant (Variation ID: 1990663). Advanced modeling of protein sequence and biophysical properties (such as structural, functional, and spatial information, amino acid conservation, physicochemical variation, residue mobility, and thermodynamic stability) performed at Invitae indicates that this missense variant is not expected to disrupt COPA protein function with a negative predictive value of 80%. In summary, the available evidence is currently insufficient to determine the role of this variant in disease. Therefore, it has been classified as a Variant of Uncertain Significance.

NM_004371.4(COPA):c.1601C>T (p.Ala534Val)

Gene: COPA (coat protein complex I subunit alpha; minus strand). Cytogenetic location: 1q23.2.
Variant type: single nucleotide variant.
Coding change: c.1601C>T on transcript NM_004371.4 (MANE Select); coding-DNA position 1601, C replaced by T.
Protein change: p.Ala534Val; replaces alanine 534 with valine.
Molecular consequence: missense variant.
Genome position (GRCh38, 1-based): chr1:160,305,499, G>A on the plus strand (C>T on the coding strand, the complement: COPA is on the minus strand). VCF-style: chr1-160305499-G-A. GRCh37 (hg19) VCF-style: chr1-160275289-G-A.
Other names: c.1628C>T, p.Ala543Val (NM_001098398.2); short protein forms A543V, A534V.
Identifiers: ClinVar variation 1990663 (VCV001990663.4), dbSNP rs2525385845, ClinGen allele CA343253995.